The following is an entry in ClinVar:

ClinVar aggregate classification (germline): Uncertain significance (1 of 4 stars; one submission).

Conditions:
Cardiomyopathy (CMYO). Also called: Cardiomyopathies. Identifiers: Orphanet 167848, MedGen C0878544, MONDO:0004994, HP:0001638. Inheritance: Various modes of inheritance.

Submission:

Color Diagnostics, LLC DBA Color Health
Classification: Uncertain significance for Cardiomyopathy. Last evaluated: 2025-08-04. Review status: criteria provided, single submitter. Criteria: ACMG Guidelines, 2015. Collection method: clinical testing. Allele origin: germline.
Comment: This missense variant replaces asparagine with serine at codon 670 of the PKP2 protein. Computational prediction suggests that this variant may not impact protein structure and function. To our knowledge, functional studies have not been reported for this variant. This variant has not been reported in individuals affected with PKP2-related disorders in the literature. This variant has not been identified in the general population by the Genome Aggregation Database (gnomAD). The available evidence is insufficient to determine the role of this variant in disease conclusively. Therefore, this variant is classified as a Variant of Uncertain Significance.

NM_001005242.3(PKP2):c.1877A>G (p.Asn626Ser)

Gene: PKP2 (plakophilin 2; minus strand). Cytogenetic location: 12p11.21.
Variant type: single nucleotide variant.
Coding change: c.1877A>G on transcript NM_001005242.3 (MANE Select); coding-DNA position 1877, A replaced by G.
Protein change: p.Asn626Ser; replaces asparagine 626 with serine.
Molecular consequence: missense variant.
Genome position (GRCh38, 1-based): chr12:32,821,492, T>C on the plus strand (A>G on the coding strand, the complement: PKP2 is on the minus strand). VCF-style: chr12-32821492-T-C. GRCh37 (hg19) VCF-style: chr12-32974426-T-C.
Other names: c.1877A>G, p.Asn626Ser (NM_001407155.1, NM_001407161.1); c.1712A>G, p.Asn571Ser (NM_001407156.1); c.2009A>G, p.Asn670Ser (NM_001407157.1, NM_004572.4); c.1550A>G, p.Asn517Ser (NM_001407158.1, NM_001407159.1, NM_001407160.1 and 1 more transcripts); short protein forms N517S, N571S, N626S, N670S.
Identifiers: ClinVar variation 4759052 (VCV004759052.1).
Genomic context (GRCh38, chr12:32,821,492, plus strand): 5'-ATCAAGGACAGATACATCCTTATAACAATGGAATGCCACAGCCACTCCACGCCCTTGGGG[T>C]TGCTCTTTTCCTCCGGCATCGGCACGTCCTGGTATTGCTGACCACACACAAAAGGAATCC-3'
Protein context (NP_001005242.2, residues 616-636): QDVPMPEEKS[Asn626Ser]PKGVEWLWHS